The following is an entry in ClinVar:

ClinVar aggregate classification (germline): Uncertain significance (1 of 4 stars; one submission).

Conditions:
Short-rib thoracic dysplasia 10 with or without polydactyly (SRTD10). Identifiers: Orphanet 474, MedGen C3810175, MONDO:0014284, OMIM 615630.
Retinitis pigmentosa 71 (RP71). Identifiers: Orphanet 791, MedGen C4225342, MONDO:0014618, OMIM 616394.

Allele frequency attached by ClinVar (database versions not stated): gnomAD exomes below 0.00001.
gnomAD v4.1: 1 of 1,610,526 alleles (0.000062%); highest among the groups gnomAD compares: Admixed American, 0.0017%; no homozygotes.

Submission:

Labcorp Genetics (formerly Invitae), Labcorp
Classification: Uncertain significance for Retinitis pigmentosa 71; Short-rib thoracic dysplasia 10 with or without polydactyly. Last evaluated: 2022-07-27. Review status: criteria provided, single submitter. Criteria: Invitae Variant Classification Sherloc (09022015). Collection method: clinical testing. Allele origin: germline.
Comment: This sequence change falls in intron 34 of the IFT172 gene. It does not directly change the encoded amino acid sequence of the IFT172 protein. It affects a nucleotide within the consensus splice site. This variant is present in population databases (no rsID available, gnomAD 0.003%). This variant has not been reported in the literature in individuals affected with IFT172-related conditions. Variants that disrupt the consensus splice site are a relatively common cause of aberrant splicing (PMID: 17576681, 9536098). Algorithms developed to predict the effect of sequence changes on RNA splicing suggest that this variant is not likely to affect RNA splicing. In summary, the available evidence is currently insufficient to determine the role of this variant in disease. Therefore, it has been classified as a Variant of Uncertain Significance.

Literature cited by the submitters: PubMed 17576681; PubMed 9536098.

NM_015662.3(IFT172):c.3821+5G>A

Genes: IFT172 (intraflagellar transport 172; minus strand), LOC126806173 (BRD4-independent group 4 enhancer GRCh37_chr2:27676057-27677256; plus strand). Cytogenetic location: 2p23.3.
Variant type: single nucleotide variant.
Coding change: c.3821+5G>A on transcript NM_015662.3 (MANE Select); 5 bases into the intron after coding-DNA position 3821, G replaced by A.
Molecular consequence: intron variant.
Genome position (GRCh38, 1-based): chr2:27,453,625, C>T on the plus strand (G>A on the coding strand, the complement: IFT172 is on the minus strand). VCF-style: chr2-27453625-C-T. GRCh37 (hg19) VCF-style: chr2-27676492-C-T.
Identifiers: ClinVar variation 2019985 (VCV002019985.1), dbSNP rs1251444157, ClinGen allele CA531765140.